The following is an entry in ClinVar:

ClinVar aggregate classification (germline): Uncertain significance (1 of 4 stars; one submission).

Conditions:
Generalized epilepsy-paroxysmal dyskinesia syndrome (PNKD3). Also called: Generalized epilepsy and paroxysmal dyskinesia; Paroxysmal nonkinesigenic dyskinesia, 3, with or without generalized epilepsy. Identifiers: Orphanet 79137, MedGen C5574945, MONDO:0012276, OMIM 609446.

Submission:

Labcorp Genetics (formerly Invitae), Labcorp
Classification: Uncertain significance for Generalized epilepsy-paroxysmal dyskinesia syndrome. Last evaluated: 2026-02-03. Review status: criteria provided, single submitter. Criteria: Invitae Variant Classification Sherloc (09022015). Collection method: clinical testing. Allele origin: germline.
Comment: This sequence change replaces arginine, which is basic and polar, with tryptophan, which is neutral and slightly polar, at codon 232 of the KCNMA1 protein (p.Arg232Trp). This variant is not present in population databases (gnomAD no frequency). This variant has not been reported in the literature in individuals affected with KCNMA1-related conditions. ClinVar contains an entry for this variant (Variation ID: 1716872). An algorithm developed to predict the effect of missense changes on protein structure and function (PolyPhen-2) suggests that this variant is likely to be disruptive. In summary, the available evidence is currently insufficient to determine the role of this variant in disease. Therefore, it has been classified as a Variant of Uncertain Significance.

NM_001161352.2(KCNMA1):c.694C>T (p.Arg232Trp)

Gene: KCNMA1 (potassium calcium-activated channel subfamily M alpha 1; minus strand). Cytogenetic location: 10q22.3.
Variant type: single nucleotide variant.
Coding change: c.694C>T on transcript NM_001161352.2 (MANE Select); coding-DNA position 694, C replaced by T.
Protein change: p.Arg232Trp; replaces arginine 232 with tryptophan.
Molecular consequence: missense variant.
Genome position (GRCh38, 1-based): chr10:77,184,825, G>A on the plus strand (C>T on the coding strand, the complement: KCNMA1 is on the minus strand). VCF-style: chr10-77184825-G-A. GRCh37 (hg19) VCF-style: chr10-78944583-G-A.
Other names: c.694C>T, p.Arg232Trp (NM_001014797.3, NM_001161353.2, NM_001271519.2 and 8 more transcripts); c.532C>T, p.Arg178Trp (NM_001271518.2); c.154C>T, p.Arg52Trp (NM_001322838.2); short protein forms R178W, R232W, R52W.
Identifiers: ClinVar variation 1716872 (VCV001716872.6), dbSNP rs1270998019, ClinGen allele CA377410534.